The following is an entry in ClinVar:

ClinVar aggregate classification (germline): Pathogenic (1 of 4 stars; one submission).

Conditions:
Polyglucosan body myopathy type 1 (PGBM1). Also called: Polyglucosan body myopathy 1 with or without immunodeficiency; POLYGLUCOSAN BODY MYOPATHY WITHOUT IMMUNODEFICIENCY. Identifiers: Orphanet 329173, Orphanet 397937, MedGen C4014605, MONDO:0014389, OMIM 615895.

Submission:

Labcorp Genetics (formerly Invitae), Labcorp
Classification: Pathogenic for Polyglucosan body myopathy type 1. Last evaluated: 2023-12-28. Review status: criteria provided, single submitter. Criteria: Invitae Variant Classification Sherloc (09022015). Collection method: clinical testing. Allele origin: germline.
Comment: This sequence change creates a premature translational stop signal (p.Trp462*) in the RBCK1 gene. It is expected to result in an absent or disrupted protein product. Loss-of-function variants in RBCK1 are known to be pathogenic (PMID: 2379848, 23104095, 23889995). This variant is not present in population databases (gnomAD no frequency). This variant has not been reported in the literature in individuals affected with RBCK1-related conditions. For these reasons, this variant has been classified as Pathogenic.

Literature cited by the submitters: PubMed 2379848; PubMed 23104095; PubMed 23889995.

NM_031229.4(RBCK1):c.1386G>A (p.Trp462Ter)

Gene: RBCK1 (RANBP2-type and C3HC4-type zinc finger containing 1; plus strand). Cytogenetic location: 20p13.
Variant type: single nucleotide variant.
Coding change: c.1386G>A on transcript NM_031229.4 (MANE Select); coding-DNA position 1386, G replaced by A.
Protein change: p.Trp462Ter; replaces tryptophan 462 with a stop codon.
Molecular consequence: nonsense. On other transcripts: non-coding transcript variant (1).
Genome position (GRCh38, 1-based): chr20:429,028, G>A. VCF-style: chr20-429028-G-A. GRCh37 (hg19) VCF-style: chr20-409672-G-A.
Other names: c.876G>A, p.Trp292Ter (NM_001323956.2, NM_001323958.2); c.1437G>A, p.Trp479Ter (NM_001410770.1); c.1260G>A, p.Trp420Ter (NM_006462.6); short protein forms W420*, W462*, W479*, W292*.
Identifiers: ClinVar variation 2706120 (VCV002706120.3), dbSNP rs1390985798, ClinGen allele CA407938523.
Genomic context (GRCh38, chr20:429,028, plus strand): 5'-CGAGGCCATGCGCTGCCCCCAGTGCCAGATCGTGGTACAGAAGAAGGACGGCTGCGACTG[G>A]ATCCGCTGCACCGTCTGCCACACCGAGATCTGCTGGGTCACCAAGGGCCCACGCTGGGGC-3'